The following is an entry in ClinVar:

NM_001369.3(DNAH5):c.9250A>G (p.Ile3084Val)

Gene: DNAH5 (dynein axonemal heavy chain 5; minus strand). Cytogenetic location: 5p15.2.
Variant type: single nucleotide variant.
Coding change: c.9250A>G on transcript NM_001369.3 (MANE Select); coding-DNA position 9250, A replaced by G.
Protein change: p.Ile3084Val; replaces isoleucine 3084 with valine.
Molecular consequence: missense variant.
Genome position (GRCh38, 1-based): chr5:13,776,562, T>C on the plus strand (A>G on the coding strand, the complement: DNAH5 is on the minus strand). VCF-style: chr5-13776562-T-C. GRCh37 (hg19) VCF-style: chr5-13776671-T-C.
Other names: short protein forms I3084V.
Identifiers: ClinVar variation 2168127 (VCV002168127.1), dbSNP rs754352566, ClinGen allele CA113937673.
Genomic context (GRCh38, chr5:13,776,562, plus strand): 5'-CAGGGAACTTCAAAGCTCTGTTTCGAAATTTCTCCCCCACTGGCGAGAAGCAGAGCACAA[T>C]ATGAAGGTTCTGTCGGACCCGACTCATGAAGTAGTCGTGCAGGTTCTCATTGGTAGGAAG-3'
Protein context (NP_001360.1, residues 3074-3094): FMSRVRQNLH[Ile3084Val]VLCFSPVGEK

ClinVar aggregate classification (germline): Uncertain significance (1 of 4 stars; one submission).

Conditions:
Primary ciliary dyskinesia. Also called: Ciliary dyskinesia. Identifiers: Orphanet 244, MedGen C0008780, MONDO:0016575, HP:0012265.

Submission:

Labcorp Genetics (formerly Invitae), Labcorp
Classification: Uncertain significance for Primary ciliary dyskinesia. Last evaluated: 2022-05-12. Review status: criteria provided, single submitter. Criteria: Invitae Variant Classification Sherloc (09022015). Collection method: clinical testing. Allele origin: germline.
Comment: This sequence change replaces isoleucine, which is neutral and non-polar, with valine, which is neutral and non-polar, at codon 3084 of the DNAH5 protein (p.Ile3084Val). This variant is not present in population databases (gnomAD no frequency). This variant has not been reported in the literature in individuals affected with DNAH5-related conditions. Advanced modeling of protein sequence and biophysical properties (such as structural, functional, and spatial information, amino acid conservation, physicochemical variation, residue mobility, and thermodynamic stability) performed at Invitae indicates that this missense variant is not expected to disrupt DNAH5 protein function. In summary, the available evidence is currently insufficient to determine the role of this variant in disease. Therefore, it has been classified as a Variant of Uncertain Significance.